The following is an entry in ClinVar:

NM_000352.6(ABCC8):c.3981del (p.Leu1328fs)

Gene: ABCC8 (ATP binding cassette subfamily C member 8; minus strand). Cytogenetic location: 11p15.1.
Variant type: Deletion.
Coding change: c.3981del on transcript NM_000352.6 (MANE Select); coding-DNA position 3981, one base deleted (G; older notation c.3981delG).
Protein change: p.Leu1328fs; shifts the reading frame from leucine 1328.
Molecular consequence: frameshift variant. On other transcripts: non-coding transcript variant (1).
Genome position (GRCh38, 1-based): chr11:17,397,200, C deleted on the plus strand (G on the coding strand, the reverse complement: ABCC8 is on the minus strand); the first of 4 consecutive C bases (chr11:17,397,200-17,397,203); deleting any one gives the same sequence. VCF-style (leftmost placement, unchanged base first): chr11-17397199-GC-G. GRCh37 (hg19) VCF-style: chr11-17418746-GC-G.
Other names: c.3984del, p.Leu1329fs (NM_001287174.3); c.4047del, p.Leu1350fs (NM_001351295.2); c.3981del, p.Leu1328fs (NM_001351296.2); c.3978del, p.Leu1327fs (NM_001351297.2); short protein forms L1327fs, L1328fs, L1329fs, L1350fs.
Identifiers: ClinVar variation 5013679 (VCV005013679.1).

ClinVar aggregate classification (germline): Pathogenic (1 of 4 stars; one submission).

Conditions:
Hyperinsulinemic hypoglycemia, familial, 1 (HHF1). Also called: HYPERINSULINISM, FAMILIAL, WITH PANCREATIC NESIDIOBLASTOSIS; HYPOGLYCEMIA, HYPERINSULINEMIC, OF INFANCY; NESIDIOBLASTOSIS OF PANCREAS; Persistent Hyperinsulinemia Hypoglycemia of Infancy; Persistent hyperinsulinemic hypoglycemia of infancy. Identifiers: Orphanet 276575, Orphanet 276598, MedGen C2931832, MONDO:0009734, OMIM 256450.

Submission:

Myriad Genetics, Inc.
Classification: Pathogenic for Hyperinsulinemic hypoglycemia, familial, 1. Last evaluated: 2024-10-26. Review status: criteria provided, single submitter. Criteria: Myriad Autosomal Dominant, Autosomal Recessive and X-Linked Classification Criteria (2023). Collection method: clinical testing. Allele origin: unknown.
Comment: NM_000352.3(ABCC8):c.3981delG(L1328Sfs*6) is expected to be pathogenic in the context of familial hyperinsulinism, ABCC8-related. This variant is predicted to lead to an abnormal or absent protein product due to the creation of a premature termination codon in ABCC8, a gene where loss-of-function variants are known to be pathogenic. Please note: this variant was assessed in the context of healthy population screening.